The following is an entry in ClinVar:

ClinVar aggregate classification (germline): Pathogenic. Review status: criteria provided, multiple submitters, no conflicts (2 of 4 stars). 3 submissions from 3 submitters: Pathogenic (3). Last evaluated 2024-08-03.

Conditions:
BAP1-related tumor predisposition syndrome (TPDS1). Also called: TUMOR PREDISPOSITION SYNDROME 1; Tumor susceptibility linked to germline BAP1 mutations; BAP1 tumor predisposition syndrome; COMMON Syndrome. Identifiers: Orphanet 289539, MedGen C3280492, MONDO:0013692, OMIM 614327.
Hereditary cancer-predisposing syndrome. Also called: Tumor predisposition; Hereditary neoplastic syndrome; Neoplastic Syndromes, Hereditary; Hereditary Cancer Syndrome. Identifiers: Orphanet 140162, MedGen C0027672, MeSH D009386, MONDO:0015356.

Submissions (3):

Labcorp Genetics (formerly Invitae), Labcorp
Classification: Pathogenic for BAP1-related tumor predisposition syndrome. Last evaluated: 2024-08-03. Review status: criteria provided, single submitter. Criteria: Invitae Variant Classification Sherloc (09022015). Collection method: clinical testing. Allele origin: germline.
Comment: This sequence change creates a premature translational stop signal (p.Gln267Alafs*16) in the BAP1 gene. It is expected to result in an absent or disrupted protein product. Loss-of-function variants in BAP1 are known to be pathogenic (PMID: 21874000, 23684012). This variant is not present in population databases (gnomAD no frequency). This premature translational stop signal has been observed in individual(s) with BAP1-related cancers (PMID: 30517737). For these reasons, this variant has been classified as Pathogenic.

Ambry Genetics
Classification: Pathogenic for Hereditary cancer-predisposing syndrome. Last evaluated: 2023-12-29. Review status: criteria provided, single submitter. Criteria: Ambry Variant Classification Scheme 2023. Collection method: clinical testing. Allele origin: germline.
Comment: The c.799_800delCA pathogenic mutation, located in coding exon 10 of the BAP1 gene, results from a deletion of two nucleotides at nucleotide positions 799 to 800, causing a translational frameshift with a predicted alternate stop codon (p.Q267Afs*16). This variant was identified in an individual with a cutaneous melanoma and mesothelioma (Pastorino L et al. Cancers (Basel), 2020 Apr;12:). This variant is considered to be rare based on population cohorts in the Genome Aggregation Database (gnomAD). In addition to the clinical data presented in the literature, this alteration is expected to result in loss of function by premature protein truncation or nonsense-mediated mRNA decay. As such, this alteration is interpreted as a disease-causing mutation.

Baylor Genetics
Classification: Pathogenic for BAP1-related tumor predisposition syndrome. Last evaluated: 2022-04-07. Review status: criteria provided, single submitter. Criteria: ACMG Guidelines, 2015. Collection method: clinical testing. Allele origin: unknown.

Literature cited by the submitters: PubMed 21874000 (cited by Labcorp Genetics (formerly Invitae), Labcorp); PubMed 23684012 (cited by Labcorp Genetics (formerly Invitae), Labcorp); PubMed 30517737 (cited by Labcorp Genetics (formerly Invitae), Labcorp); PubMed 32325837 (cited by Ambry Genetics).

NM_004656.4(BAP1):c.799_800del (p.Gln267fs)

Gene: BAP1 (BRCA1 associated deubiquitinase 1; minus strand). Cytogenetic location: 3p21.1.
Variant type: Microsatellite.
Coding change: c.799_800del on transcript NM_004656.4 (MANE Select); coding-DNA positions 799 to 800, 2 bases deleted (CA; older notation c.799_800delCA).
Protein change: p.Gln267fs; shifts the reading frame from glutamine 267.
Molecular consequence: frameshift variant.
Genome position (GRCh38, 1-based): chr3:52,405,896-52,405,897, TG deleted on the plus strand (CA on the coding strand, the reverse complement: BAP1 is on the minus strand); deleting any 2 consecutive bases within chr3:52,405,896-52,405,900 gives the same sequence; the c. name uses the placement nearest the transcript's 3' end. VCF-style (leftmost placement, unchanged base first): chr3-52405895-CTG-C. GRCh37 (hg19) VCF-style: chr3-52439911-CTG-C.
Other names: c.799_800delCA (NM_004656.2); short protein forms Q267fs.
Identifiers: ClinVar variation 1070749 (VCV001070749.7), dbSNP rs2153227280, ClinGen allele CA2580616476.